The following is an entry in ClinVar:

ClinVar aggregate classification (germline): Uncertain significance (1 of 4 stars; one submission).

Conditions:
Alpha thalassemia-X-linked intellectual disability syndrome (ATRX). Also called: ALPHA-THALASSEMIA/MENTAL RETARDATION SYNDROME, X-LINKED; ATR, NONDELETION TYPE; ATR-X syndrome; Alpha thalassemia mental retardation syndrome, nondeletion type, X-linked; XLMR hypotonic face syndrome; X-linked alpha-thalassemia-mental retardation syndrome. Identifiers: Orphanet 847, MedGen C1845055, MONDO:0010519, OMIM 301040.

Submission:

Labcorp Genetics (formerly Invitae), Labcorp
Classification: Uncertain significance for Alpha thalassemia-X-linked intellectual disability syndrome. Last evaluated: 2024-10-25. Review status: criteria provided, single submitter. Criteria: Invitae Variant Classification Sherloc (09022015). Collection method: clinical testing. Allele origin: germline.
Comment: This sequence change replaces tyrosine, which is neutral and polar, with cysteine, which is neutral and slightly polar, at codon 587 of the ATRX protein (p.Tyr587Cys). This variant is not present in population databases (gnomAD no frequency). This variant has not been reported in the literature in individuals affected with ATRX-related conditions. Invitae Evidence Modeling of protein sequence and biophysical properties (such as structural, functional, and spatial information, amino acid conservation, physicochemical variation, residue mobility, and thermodynamic stability) indicates that this missense variant is not expected to disrupt ATRX protein function with a negative predictive value of 95%. In summary, the available evidence is currently insufficient to determine the role of this variant in disease. Therefore, it has been classified as a Variant of Uncertain Significance.

NM_000489.6(ATRX):c.1760A>G (p.Tyr587Cys)

Gene: ATRX (ATRX chromatin remodeler; minus strand). Cytogenetic location: Xq21.1.
Variant type: single nucleotide variant.
Coding change: c.1760A>G on transcript NM_000489.6 (MANE Select); coding-DNA position 1760, A replaced by G.
Protein change: p.Tyr587Cys; replaces tyrosine 587 with cysteine.
Molecular consequence: missense variant.
Genome position (GRCh38, 1-based): chrX:77,683,496, T>C on the plus strand (A>G on the coding strand, the complement: ATRX is on the minus strand). VCF-style: chrX-77683496-T-C. GRCh37 (hg19) VCF-style: chrX-76938988-T-C.
Other names: c.1646A>G, p.Tyr549Cys (NM_138270.5); short protein forms Y549C, Y587C.
Identifiers: ClinVar variation 2861356 (VCV002861356.3), dbSNP rs2148615407, ClinGen allele CA413716609.